The following is an entry in ClinVar:

NM_194248.3(OTOF):c.1544T>C (p.Ile515Thr)

Gene: OTOF (otoferlin; minus strand). Cytogenetic location: 2p23.3.
Variant type: single nucleotide variant.
Coding change: c.1544T>C on transcript NM_194248.3 (MANE Select); coding-DNA position 1544, T replaced by C.
Protein change: p.Ile515Thr; replaces isoleucine 515 with threonine.
Molecular consequence: missense variant.
Genome position (GRCh38, 1-based): chr2:26,482,441, A>G on the plus strand (T>C on the coding strand, the complement: OTOF is on the minus strand). VCF-style: chr2-26482441-A-G. GRCh37 (hg19) VCF-style: chr2-26705309-A-G.
Other names: c.1544T>C, p.Ile515Thr (NM_001287489.2); short protein forms I515T.
Identifiers: ClinVar variation 6143 (VCV000006143.12), dbSNP rs80356586, ClinGen allele CA117973.

ClinVar aggregate classification (germline): Likely pathogenic. Review status: criteria provided, multiple submitters, no conflicts (2 of 4 stars). 6 submissions from 5 submitters: Likely pathogenic (3). 3 of the submissions do not count toward it. Last evaluated 2026-01-19.

Conditions:
Autosomal recessive OTOF-related disorders.
Rare genetic deafness. Identifiers: Orphanet 96210, MedGen C5680250.
Autosomal recessive nonsyndromic hearing loss 9. Also called: Deafness, autosomal recessive 9; NEUROSENSORY NONSYNDROMIC RECESSIVE DEAFNESS 9; OTOF-Related Hearing Loss; AUDITORY NEUROPATHY, AUTOSOMAL RECESSIVE, 1, TEMPERATURE-SENSITIVE. Identifiers: Orphanet 90636, MedGen C1832828, MONDO:0010986, OMIM 601071.
Auditory neuropathy, autosomal recessive, 1 (AUNB1). Identifiers: MedGen CN315828.

Allele frequency attached by ClinVar (database versions not stated): gnomAD exomes 0.00002; TOPMed 0.00002; gnomAD 0.00001; ExAC 0.00002.
gnomAD v4.1: 27 of 1,613,254 alleles (0.0017%); highest among the groups gnomAD compares: Non-Finnish European, 0.0019%; no homozygotes.

Submissions (6):

Labcorp Genetics (formerly Invitae), Labcorp
Classification: Likely pathogenic. Last evaluated: 2026-01-19. Review status: criteria provided, single submitter. Criteria: Invitae Variant Classification Sherloc (09022015). Collection method: clinical testing. Allele origin: germline.
Comment: This sequence change replaces isoleucine, which is neutral and non-polar, with threonine, which is neutral and polar, at codon 515 of the OTOF protein (p.Ile515Thr). This variant is present in population databases (rs80356586, gnomAD 0.003%). This missense change has been observed in individual(s) with clinical features of deafness (PMID: 12127154, 16371502, 27729456). In at least one individual the data is consistent with being in trans (on the opposite chromosome) from a pathogenic variant. It has also been observed to segregate with disease in related individuals. ClinVar contains an entry for this variant (Variation ID: 6143). Invitae Evidence Modeling of protein sequence and biophysical properties (such as structural, functional, and spatial information, amino acid conservation, physicochemical variation, residue mobility, and thermodynamic stability) indicates that this missense variant is not expected to disrupt OTOF protein function with a negative predictive value of 95%. Experimental studies have shown that this missense change affects OTOF function (PMID: 27729456). In summary, the currently available evidence indicates that the variant is pathogenic, but additional data are needed to prove that conclusively. Therefore, this variant has been classified as Likely Pathogenic.

Variantyx, Inc.
Classification: Likely pathogenic for Autosomal recessive OTOF-related disorders. Last evaluated: 2025-09-02. Review status: criteria provided, single submitter. Criteria: Variantyx Assertion Criteria 2022. Collection method: clinical testing. Allele origin: germline. Inheritance: Autosomal recessive inheritance. Affected: no.
Comment: This is a nonsynonymous variant in the OTOF gene (OMIM: 603681). Pathogenic variants in this gene have been associated with autosomal recessive OTOF-related disorders. Functional studies have shown that this variant alters OTOF protein function (PMID: 27729456) (PS3), and multiple computational algorithms predict a deleterious effect for this variant (REVEL score: 0.897) (PP3). This variant has a 0.0019% maximum allele frequency in non-founder control populations (PM2). Based on the current evidence, this variant is classified as likely pathogenic for autosomal recessive OTOF-related disorders.

Laboratory for Molecular Medicine, Mass General Brigham Personalized Medicine
Classification: Likely pathogenic for Rare genetic deafness. Last evaluated: 2017-02-14. Review status: criteria provided, single submitter. Criteria: LMM Criteria. Collection method: clinical testing. Allele origin: germline. Inheritance: Autosomal recessive inheritance. Observed: 1 variant allele.
Comment: The p.Ile515Thr (NM_194248.2 c.1544T>C, ClinVar Variation ID#6143) variant in OT OF has been reported in 1 compound heterozygous individual with hearing loss who had a temperature-sensitive auditory neuropathy phenotype, in trans with a nons ense variant, and segregated with disease in an affected family member (Varga 20 06, Strenzke 2016, Avraham 2016). This variant has also been reported in 1 homoz ygous individual with hearing loss and in 3 affected homozygous family members, who all had a second missense OTOF variant of uncertain significance in cis (Mir ghomizadeh 2002). A knock-in mouse model homozygous for the p.Ile515Thr variant was shown to have hearing loss (Strenzke 2016). This variant has also been ident ified in 0.002% (1/65,772) of European chromosomes by the Exome Aggregation Cons ortium (ExAC; dbSNP rs80356586). Although this v ariant has been seen in the general population, its frequency is low enough to b e consistent with a recessive carrier frequency. In summary, although additional studies are required to fully establish its clinical significance, the p.Ile515 Thr variant is likely pathogenic for OTOF-related hearing loss in an autosomal r ecessive manner based upon biallelic observations in patients, low frequency in controls, and an animal model.

OMIM
Classification: Pathogenic for AUDITORY NEUROPATHY, AUTOSOMAL RECESSIVE, 1. Last evaluated: 2006-07-01. Review status: no assertion criteria provided. Collection method: literature only. Allele origin: germline. Not counted in ClinVar's aggregate classification.

OMIM
Classification: Pathogenic for AUDITORY NEUROPATHY, AUTOSOMAL RECESSIVE, 1, TEMPERATURE-SENSITIVE. Last evaluated: 2006-07-01. Review status: no assertion criteria provided. Collection method: literature only. Allele origin: germline. Not counted in ClinVar's aggregate classification.

GeneReviews
No classification provided. Condition: Autosomal recessive nonsyndromic hearing loss 9. Review status: no classification provided. Collection method: literature only. Allele origin: germline. Affected: yes. Not counted in ClinVar's aggregate classification.

Literature cited by the submitters: PubMed 12127154 (cited by 4 submitters); PubMed 16371502 (cited by 3 submitters); PubMed 27729456 (cited by 3 submitters); PubMed 27821677 (cited by Laboratory for Molecular Medicine, Mass General Brigham Personalized Medicine); PubMed 9657592 (cited by OMIM); NCBI Bookshelf NBK1251 (cited by GeneReviews).